The following is an entry in ClinVar:

NM_000371.4(TTR):c.70-7C>T

Gene: TTR (transthyretin; plus strand). Cytogenetic location: 18q12.1.
Variant type: single nucleotide variant.
Coding change: c.70-7C>T on transcript NM_000371.4 (MANE Select); 7 bases into the intron before coding-DNA position 70, C replaced by T.
Molecular consequence: intron variant.
Genome position (GRCh38, 1-based): chr18:31,592,889, C>T. VCF-style: chr18-31592889-C-T. GRCh37 (hg19) VCF-style: chr18-29172852-C-T.
Identifiers: ClinVar variation 137848 (VCV000137848.18), dbSNP rs587780990, ClinGen allele CA291538.

ClinVar aggregate classification (germline): Benign/Likely benign. Review status: criteria provided, multiple submitters, no conflicts (2 of 4 stars). 8 submissions from 8 submitters: Benign (5); Likely benign (3). Last evaluated 2026-01-13.

Conditions:
Amyloidosis, hereditary systemic 1 (AMYLD1). Also called: Isolated Cardiac Amyloidosis; Amyloid Cardiomyopathy, Transthyretin-related; Familial amyloid polyneuropathy; Transthyretin Amyloidosis; Hereditary oculoleptomeningeal amyloid angiopathy; Familial Transthyretin Amyloidosis. Identifiers: Orphanet 85447, Orphanet 85451, MedGen C2751492, MONDO:0971004, OMIM 105210.
Hyperthyroxinemia, dystransthyretinemic. Also called: EUTHRYROIDAL HYPERTHYROXINEMIA 2; HYPERTHYROXINEMIA, DYSPREALBUMINEMIC. Identifiers: MedGen C2750824, MONDO:0007785, OMIM 145680.
Carpal tunnel syndrome 1 (CTS1). Also called: Carpal tunnel syndrome, familial. Identifiers: MedGen C5779776, MONDO:0020730, OMIM 115430.
Charcot-Marie-Tooth disease. Also called: Charcot-Marie-Tooth Hereditary Neuropathy; Charcot-Marie-Tooth Neuropathy. Identifiers: Orphanet 166, MedGen C0007959, MONDO:0015626.
Cardiomyopathy (CMYO). Also called: Cardiomyopathies. Identifiers: Orphanet 167848, MedGen C0878544, MONDO:0004994, HP:0001638. Inheritance: Various modes of inheritance.

Allele frequency attached by ClinVar (database versions not stated): gnomAD below 0.00001 and 0.00005; TOPMed 0.00003; gnomAD exomes 0.00009 and 0.00017; ExAC 0.00020.
gnomAD v4.1: 146 of 1,613,610 alleles (0.009%); highest among the groups gnomAD compares: South Asian, 0.11%; 1 homozygote.

Submissions (8):

Labcorp Genetics (formerly Invitae), Labcorp
Classification: Benign for Amyloidosis, hereditary systemic 1. Last evaluated: 2026-01-13. Review status: criteria provided, single submitter. Criteria: Invitae Variant Classification Sherloc (09022015). Collection method: clinical testing. Allele origin: germline.

ARUP Laboratories, Molecular Genetics and Genomics, ARUP Laboratories
Classification: Benign. Last evaluated: 2024-12-23. Review status: criteria provided, single submitter. Criteria: ARUP Molecular Germline Variant Investigation Process 2024. Collection method: clinical testing. Allele origin: germline.

Blueprint Genetics
Classification: Likely benign. Last evaluated: 2023-07-19. Review status: criteria provided, single submitter. Criteria: ACMG Guidelines, 2015. Collection method: clinical testing. Allele origin: germline.

Women's Health and Genetics/Laboratory Corporation of America, LabCorp
Classification: Benign. Last evaluated: 2023-05-22. Review status: criteria provided, single submitter. Criteria: LabCorp Variant Classification Summary - May 2015. Collection method: clinical testing. Allele origin: germline.

Fulgent Genetics
Classification: Likely benign for Amyloidosis, hereditary systemic 1; Carpal tunnel syndrome 1; Hyperthyroxinemia, dystransthyretinemic. Last evaluated: 2021-12-08. Review status: criteria provided, single submitter. Criteria: ACMG Guidelines, 2015. Collection method: clinical testing. Allele origin: unknown.

CHEO Genetics Diagnostic Laboratory, Children's Hospital of Eastern Ontario
Classification: Likely benign for Cardiomyopathy. Last evaluated: 2015-10-15. Review status: criteria provided, single submitter. Criteria: ACMG Guidelines, 2015. Collection method: clinical testing. Allele origin: germline. Study: Canadian Open Genetics Repository.

GeneDx
Classification: Benign. Last evaluated: 2014-04-01. Review status: criteria provided, single submitter. Criteria: GeneDx Variant Classification (06012015). Collection method: clinical testing. Allele origin: germline. Affected: yes.
Comment: This variant is considered likely benign or benign based on one or more of the following criteria: it is a conservative change, it occurs at a poorly conserved position in the protein, it is predicted to be benign by multiple in silico algorithms, and/or has population frequency not consistent with disease.

Molecular Genetics Laboratory, London Health Sciences Centre
Classification: Benign for Charcot-Marie-Tooth disease. Review status: criteria provided, single submitter. Criteria: ACMG Guidelines, 2015. Collection method: clinical testing. Allele origin: germline. Affected: yes.